The following is an entry in ClinVar:

NM_006017.3(PROM1):c.1874G>T (p.Gly625Val)

Gene: PROM1 (prominin 1; minus strand). Cytogenetic location: 4p15.32.
Variant type: single nucleotide variant.
Coding change: c.1874G>T on transcript NM_006017.3 (MANE Select); coding-DNA position 1874, G replaced by T.
Protein change: p.Gly625Val; replaces glycine 625 with valine.
Molecular consequence: missense variant.
Genome position (GRCh38, 1-based): chr4:15,992,285, C>A on the plus strand (G>T on the coding strand, the complement: PROM1 is on the minus strand). VCF-style: chr4-15992285-C-A. GRCh37 (hg19) VCF-style: chr4-15993908-C-A.
Other names: c.1847G>T, p.Gly616Val (NM_001145847.2, NM_001145848.2, NM_001145851.2 and 4 more transcripts); c.1874G>T, p.Gly625Val (NM_001145849.2, NM_001145850.2); short protein forms G616V, G625V.
Identifiers: ClinVar variation 2740921 (VCV002740921.3), dbSNP rs2149122864, ClinGen allele CA356430833.
Genomic context (GRCh38, chr4:15,992,285, plus strand): 5'-AAGCATGAACACATGCGCCATACCTGAGCCAAGTAGCTGTCATAATTCATTCTGTCTATT[C>A]CACAAGCAGCAAAATCCTGAAGGTTTTTTCTTCCTGCTGCACCCAACAGAAAGATATTAA-3'
Protein context (NP_006008.1, residues 615-635): RKNLQDFAAC[Gly625Val]IDRMNYDSYL

ClinVar aggregate classification (germline): Uncertain significance (1 of 4 stars; one submission).

Submission:

Labcorp Genetics (formerly Invitae), Labcorp
Classification: Uncertain significance. Last evaluated: 2025-01-13. Review status: criteria provided, single submitter. Criteria: Invitae Variant Classification Sherloc (09022015). Collection method: clinical testing. Allele origin: germline.
Comment: This sequence change replaces glycine, which is neutral and non-polar, with valine, which is neutral and non-polar, at codon 625 of the PROM1 protein (p.Gly625Val). This variant is not present in population databases (gnomAD no frequency). This variant has not been reported in the literature in individuals affected with PROM1-related conditions. ClinVar contains an entry for this variant (Variation ID: 2740921). Invitae Evidence Modeling of protein sequence and biophysical properties (such as structural, functional, and spatial information, amino acid conservation, physicochemical variation, residue mobility, and thermodynamic stability) indicates that this missense variant is expected to disrupt PROM1 protein function with a positive predictive value of 80%. Algorithms developed to predict the effect of sequence changes on RNA splicing suggest that this variant may create or strengthen a splice site. In summary, the available evidence is currently insufficient to determine the role of this variant in disease. Therefore, it has been classified as a Variant of Uncertain Significance.